The following is an entry in ClinVar:

ClinVar aggregate classification (germline): Benign/Likely benign. Review status: criteria provided, multiple submitters, no conflicts (2 of 4 stars). 3 submissions from 3 submitters: Benign (1); Likely benign (1). 1 of the submissions does not count toward it. Last evaluated 2026-01-24.

Conditions:
PIK3C2A-related disorder. Also called: PIK3C2A-related condition.

Allele frequency attached by ClinVar (database versions not stated): 1000 Genomes Project 30x 0.00187; 1000 Genomes Project 0.00200; TOPMed 0.00357; gnomAD 0.00421 and 0.00423; gnomAD exomes 0.00444 and 0.00620; ExAC 0.00456; ESP Exome Variant Server 0.00539.
gnomAD v4.1: 9,600 of 1,613,756 alleles (0.59%); highest among the groups gnomAD compares: Non-Finnish European, 0.7%; 50 homozygotes.

Submissions (3):

Labcorp Genetics (formerly Invitae), Labcorp
Classification: Benign. Last evaluated: 2026-01-24. Review status: criteria provided, single submitter. Criteria: Invitae Variant Classification Sherloc (09022015). Collection method: clinical testing. Allele origin: germline.

CeGaT Center for Human Genetics Tuebingen
Classification: Likely benign. Last evaluated: 2025-10-01. Review status: criteria provided, single submitter. Criteria: CeGaT Center For Human Genetics Tuebingen Variant Classification Criteria Version 2. Collection method: clinical testing. Allele origin: germline. Affected: yes. Observed: 9 variant alleles.
Comment: PIK3C2A: BP4, BP7, BS2

PreventionGenetics, part of Exact Sciences
Classification: Likely benign for PIK3C2A-related condition. Last evaluated: 2019-12-16. Review status: no assertion criteria provided. Collection method: clinical testing. Allele origin: germline. Not counted in ClinVar's aggregate classification.
Comment: This variant is classified as likely benign based on ACMG/AMP sequence variant interpretation guidelines (Richards et al. 2015 PMID: 25741868, with internal and published modifications).

NM_002645.4(PIK3C2A):c.4782A>G (p.Pro1594=)

Gene: PIK3C2A (phosphatidylinositol-4-phosphate 3-kinase catalytic subunit type 2 alpha; minus strand). Cytogenetic location: 11p15.1.
Variant type: single nucleotide variant.
Coding change: c.4782A>G on transcript NM_002645.4 (MANE Select); coding-DNA position 4782, A replaced by G.
Protein change: p.Pro1594=; no amino-acid change (proline 1594 retained).
Molecular consequence: synonymous variant.
Genome position (GRCh38, 1-based): chr11:17,091,430, T>C on the plus strand (A>G on the coding strand, the complement: PIK3C2A is on the minus strand). VCF-style: chr11-17091430-T-C. GRCh37 (hg19) VCF-style: chr11-17112977-T-C.
Other names: c.4782A>G, p.Pro1594= (NM_001321378.2); c.3642A>G, p.Pro1214= (NM_001321380.2); c.4614A>G, p.Pro1538= (NM_001386870.1); c.4782A>G (NM_001321378.1).
Identifiers: ClinVar variation 1665149 (VCV001665149.33), dbSNP rs61751351, ClinGen allele CA5900441.
Genomic context (GRCh38, chr11:17,091,430, plus strand): 5'-AATTTTGGTTTTACGTTTGGATGTTTTGTGGTTATCTGGAAGTAGGTATGTTTTGACATA[T>C]GGATTTGGGTCAGCTCCATCTTCAGTAACCTAAAAAGAAAAGCAGTCCCTTAATAGTAAT-3'
Protein context (NP_002636.2, residues 1584-1604): LVTEDGADPN[Pro1594=]YVKTYLLPDN